The following is an entry in ClinVar:

ClinVar aggregate classification (germline): Uncertain significance (1 of 4 stars; one submission).

gnomAD v4.1: 12 of 1,523,602 alleles (0.00079%); highest among the groups gnomAD compares: African/African-American, 0.0028%; no homozygotes.

Submission:

Labcorp Genetics (formerly Invitae), Labcorp
Classification: Uncertain significance. Last evaluated: 2025-05-07. Review status: criteria provided, single submitter. Criteria: Invitae Variant Classification Sherloc (09022015). Collection method: clinical testing. Allele origin: germline.
Comment: This sequence change replaces tyrosine, which is neutral and polar, with phenylalanine, which is neutral and non-polar, at codon 404 of the SUCLG2 protein (p.Tyr404Phe). This variant is present in population databases (no rsID available, gnomAD 0.01%). This variant has not been reported in the literature in individuals affected with SUCLG2-related conditions. An algorithm developed to predict the effect of missense changes on protein structure and function (PolyPhen-2) suggests that this variant is likely to be tolerated. In summary, the available evidence is currently insufficient to determine the role of this variant in disease. Therefore, it has been classified as a Variant of Uncertain Significance.

NC_000003.12:g.67360741T>A

Gene: SUCLG2 (succinate-CoA ligase GDP-forming subunit beta; minus strand). Cytogenetic location: 3p14.1.
Variant type: single nucleotide variant.
Molecular consequence: missense variant (on NM_001177599.2).
Genome position: GRCh38 VCF-style: chr3-67360741-T-A. GRCh37 (hg19) VCF-style: chr3-67411165-T-A.
Other names: c.1211A>T, p.Tyr404Phe (NM_001177599.2); short protein forms Y404F.
Identifiers: ClinVar variation 4691829 (VCV004691829.1).
Genomic context (GRCh38, chr3:67,360,741, plus strand): 5'-TTCTCTTGGATACCAGTTATATTCTCATTTGAATTTCCTGTTTCTTGTTTTATGTGCATA[T>A]AACTTCCTTTTTTTTCCATAAAAGTACCTGAAATTGGAGTGAGATTCTTGTAATGAGTTT-3'